The following is an entry in ClinVar:

NM_182961.4(SYNE1):c.10268G>A (p.Arg3423Gln)

Gene: SYNE1 (spectrin repeat containing nuclear envelope protein 1; minus strand). Cytogenetic location: 6q25.2.
Variant type: single nucleotide variant.
Coding change: c.10268G>A on transcript NM_182961.4 (MANE Select); coding-DNA position 10268, G replaced by A.
Protein change: p.Arg3423Gln; replaces arginine 3423 with glutamine.
Molecular consequence: missense variant.
Genome position (GRCh38, 1-based): chr6:152,362,201, C>T on the plus strand (G>A on the coding strand, the complement: SYNE1 is on the minus strand). VCF-style: chr6-152362201-C-T. GRCh37 (hg19) VCF-style: chr6-152683336-C-T.
Other names: c.10289G>A, p.Arg3430Gln (NM_033071.5); short protein forms R3423Q, R3430Q.
Identifiers: ClinVar variation 994788 (VCV000994788.6), dbSNP rs139691734, ClinGen allele CA4057016.

ClinVar aggregate classification (germline): Uncertain significance. Review status: criteria provided, multiple submitters, no conflicts (2 of 4 stars). 2 submissions from 2 submitters: Uncertain significance (2). Last evaluated 2023-10-13.

Conditions:
Autosomal recessive ataxia, Beauce type. Also called: ATAXIA, RECESSIVE, OF BEAUCE; Spinocerebellar ataxia, autosomal recessive 8; SYNE1-Related Autosomal Recessive Cerebellar Ataxia; SYNE1 Deficiency. Identifiers: Orphanet 88644, MedGen C1853116, MONDO:0012549, OMIM 610743.
Emery-Dreifuss muscular dystrophy 4, autosomal dominant (EDMD4). Also called: EMERY-DREIFUSS MUSCULAR DYSTROPHY 4 WITH VARIABLE FEATURES. Identifiers: Orphanet 261, MedGen C2751807, MONDO:0013071, OMIM 612998.

Allele frequency attached by ClinVar (database versions not stated): ExAC 0.00003; gnomAD 0.00003; gnomAD exomes 0.00003; TOPMed 0.00003; ESP Exome Variant Server 0.00008.
gnomAD v4.1: 13 of 1,614,074 alleles (0.00081%); highest among the groups gnomAD compares: African/African-American, 0.008%; no homozygotes.

Submissions (2):

Labcorp Genetics (formerly Invitae), Labcorp
Classification: Uncertain significance for Emery-Dreifuss muscular dystrophy 4, autosomal dominant; Autosomal recessive ataxia, Beauce type. Last evaluated: 2023-10-13. Review status: criteria provided, single submitter. Criteria: Invitae Variant Classification Sherloc (09022015). Collection method: clinical testing. Allele origin: germline.
Comment: This sequence change replaces arginine, which is basic and polar, with glutamine, which is neutral and polar, at codon 3430 of the SYNE1 protein (p.Arg3430Gln). This variant is present in population databases (rs139691734, gnomAD 0.02%). This variant has not been reported in the literature in individuals affected with SYNE1-related conditions. ClinVar contains an entry for this variant (Variation ID: 994788). Algorithms developed to predict the effect of missense changes on protein structure and function output the following: SIFT: "Not Available"; PolyPhen-2: "Benign"; Align-GVGD: "Not Available". The glutamine amino acid residue is found in multiple mammalian species, which suggests that this missense change does not adversely affect protein function. In summary, the available evidence is currently insufficient to determine the role of this variant in disease. Therefore, it has been classified as a Variant of Uncertain Significance.

Athena Diagnostics
Classification: Uncertain significance. Last evaluated: 2020-05-15. Review status: criteria provided, single submitter. Criteria: Athena Diagnostics Criteria. Collection method: clinical testing. Allele origin: unknown.